The following is an entry in ClinVar:

NM_001193315.2(VIPAS39):c.1426GAG[2] (p.Glu478del)

Gene: VIPAS39 (VPS33B interacting protein, apical-basolateral polarity regulator, spe-39 homolog; minus strand). Cytogenetic location: 14q24.3.
Variant type: Microsatellite.
Coding change: c.1426GAG[2] on transcript NM_001193315.2 (MANE Select); two copies in a row of the 3-base unit GAG starting at c.1426; the reference has three copies in a row; one copy, 3 bases deleted.
Protein change: p.Glu478del; deletes glutamic acid 478.
Molecular consequence: inframe deletion. On other transcripts: non-coding transcript variant (1), intron variant (1).
Genome position (GRCh38, 1-based): chr14:77,428,397-77,428,399, CTC deleted on the plus strand (GAG on the coding strand, the reverse complement: VIPAS39 is on the minus strand); deleting any 3 consecutive bases within chr14:77,428,397-77,428,405 gives the same sequence; the position shown is the placement nearest the transcript's 3' end. VCF-style (leftmost placement, unchanged base first): chr14-77428396-TCTC-T. GRCh37 (hg19) VCF-style: chr14-77894739-TCTC-T.
Other names: c.1432_1434delGAG (NM_022067.4); c.1426GAG[2], p.Glu478del (NM_001193314.2, NM_001193317.2, NM_001400326.1 and 1 more transcripts); c.1279GAG[2], p.Glu429del (NM_001193316.2, NM_001400324.1, NM_001400325.1); c.1393GAG[2], p.Glu467del (NM_001400327.1); c.1339GAG[2], p.Glu449del (NM_001400330.1, NM_001400331.1, NM_001400332.1); c.1333GAG[2], p.Glu447del (NM_001400333.1, NM_001400334.1); c.1291GAG[2], p.Glu433del (NM_001400336.1); c.1186GAG[2], p.Glu398del (NM_001400337.1); and 4 more; short protein forms E383del, E385del, E398del, E429del, E433del, E447del, E449del, E467del.
Identifiers: ClinVar variation 3233637 (VCV003233637.3), dbSNP rs866847808, ClinGen allele CA263834746.

ClinVar aggregate classification (germline): Uncertain significance. Review status: criteria provided, multiple submitters, no conflicts (2 of 4 stars). 2 submissions from 2 submitters: Uncertain significance (2). Last evaluated 2024-04-07.

Conditions:
Arthrogryposis, renal dysfunction, and cholestasis 2 (ARCS2). Identifiers: Orphanet 2697, MedGen C3150672, MONDO:0013255, OMIM 613404.

Submissions (2):

Fulgent Genetics
Classification: Uncertain significance for Arthrogryposis, renal dysfunction, and cholestasis 2. Last evaluated: 2024-04-07. Review status: criteria provided, single submitter. Criteria: ACMG Guidelines, 2015. Collection method: clinical testing. Allele origin: germline.

Women's Health and Genetics/Laboratory Corporation of America, LabCorp
Classification: Uncertain significance. Last evaluated: 2024-03-06. Review status: criteria provided, single submitter. Criteria: LabCorp Variant Classification Summary - May 2015. Collection method: clinical testing. Allele origin: germline.
Comment: Variant summary: VIPAS39 c.1432_1434delGAG (p.Glu478del) results in an in-frame deletion that is predicted to remove one amino acid from the encoded protein. The variant allele was found at a frequency of 4e-06 in 251292 control chromosomes (gnomAD). The available data on variant occurrences in the general population are insufficient to allow any conclusion about variant significance. To our knowledge, no occurrence of c.1432_1434delGAG in individuals affected with Arthrogryposis, Renal Dysfunction, And Cholestasis 2 and no experimental evidence demonstrating its impact on protein function have been reported. No submitters have cited clinical-significance assessments for this variant to ClinVar. Based on the evidence outlined above, the variant was classified as uncertain significance.